The following is an entry in ClinVar:

ClinVar aggregate classification (germline): Likely benign. Review status: criteria provided, multiple submitters, no conflicts (2 of 4 stars). 4 submissions from 4 submitters: Likely benign (3). 1 of the submissions does not count toward it. Last evaluated 2025-02-05.

Conditions:
Cardiovascular phenotype. Identifiers: MedGen CN230736.
Duchenne muscular dystrophy (DMD). Also called: MUSCULAR DYSTROPHY, PSEUDOHYPERTROPHIC PROGRESSIVE, DUCHENNE TYPE; Duchenne Muscular Dystrophy (DMD). Identifiers: Orphanet 98896, MedGen C0013264, MONDO:0010679, OMIM 310200.
Becker muscular dystrophy (BMD). Also called: MUSCULAR DYSTROPHY, PSEUDOHYPERTROPHIC PROGRESSIVE, BECKER TYPE; Becker Muscular Dystrophy (BMD). Identifiers: Orphanet 98895, MedGen C0917713, MONDO:0010311, OMIM 300376.
Cardiomyopathy (CMYO). Also called: Cardiomyopathies. Identifiers: Orphanet 167848, MedGen C0878544, MONDO:0004994, HP:0001638. Inheritance: Various modes of inheritance.
Dystrophin deficiency.

Allele frequency attached by ClinVar (database versions not stated): gnomAD below 0.00001 and 0.00001; gnomAD exomes 0.00002 and 0.00004; ExAC 0.00005.
gnomAD v4.1: 17 of 1,210,130 alleles (0.0014%); highest among the groups gnomAD compares: South Asian, 0.028%; no homozygotes.

Submissions (4):

Labcorp Genetics (formerly Invitae), Labcorp
Classification: Likely benign for Duchenne muscular dystrophy. Last evaluated: 2025-02-05. Review status: criteria provided, single submitter. Criteria: Invitae Variant Classification Sherloc (09022015). Collection method: clinical testing. Allele origin: germline.

Ambry Genetics
Classification: Likely benign for Cardiovascular phenotype. Last evaluated: 2024-09-04. Review status: criteria provided, single submitter. Criteria: Ambry Variant Classification Scheme 2023. Collection method: clinical testing. Allele origin: germline.

GeneDx
Classification: Likely benign. Last evaluated: 2016-07-06. Review status: criteria provided, single submitter. Criteria: GeneDx Variant Classification (06012015). Collection method: clinical testing. Allele origin: germline. Affected: yes.
Comment: This variant is considered likely benign or benign based on one or more of the following criteria: it is a conservative change, it occurs at a poorly conserved position in the protein, it is predicted to be benign by multiple in silico algorithms, and/or has population frequency not consistent with disease.

Natera, Inc.
Classification: Likely benign for Becker muscular dystrophy; Cardiomyopathy; Duchenne muscular dystrophy; Dystrophin deficiency. Last evaluated: 2018-09-14. Review status: no assertion criteria provided. Collection method: clinical testing. Allele origin: germline. Not counted in ClinVar's aggregate classification.

NM_004006.3(DMD):c.8348A>G (p.Asn2783Ser)

Gene: DMD (dystrophin; minus strand). Cytogenetic location: Xp21.1.
Variant type: single nucleotide variant.
Coding change: c.8348A>G on transcript NM_004006.3 (MANE Select); coding-DNA position 8348, A replaced by G.
Protein change: p.Asn2783Ser; replaces asparagine 2783 with serine.
Molecular consequence: missense variant.
Genome position (GRCh38, 1-based): chrX:31,507,323, T>C on the plus strand (A>G on the coding strand, the complement: DMD is on the minus strand). VCF-style: chrX-31507323-T-C. GRCh37 (hg19) VCF-style: chrX-31525440-T-C.
Other names: c.8324A>G, p.Asn2775Ser (NM_000109.4); c.8336A>G, p.Asn2779Ser (NM_004009.3); c.7979A>G, p.Asn2660Ser (NM_004010.3); c.4325A>G, p.Asn1442Ser (NM_004011.4); c.4316A>G, p.Asn1439Ser (NM_004012.4); c.968A>G, p.Asn323Ser (NM_004013.3, NM_004020.4, NM_004021.3 and 2 more transcripts); c.161A>G, p.Asn54Ser (NM_004014.3); short protein forms N2783S, N1439S, N2660S, N2779S, N1442S, N54S, N2775S, N323S.
Identifiers: ClinVar variation 387047 (VCV000387047.12), dbSNP rs760903823, ClinGen allele CA10378090.